The following is an entry in ClinVar:

NM_001369268.1(ACAN):c.239A>G (p.Lys80Arg)

Gene: ACAN (aggrecan; plus strand). Cytogenetic location: 15q26.1.
Variant type: single nucleotide variant.
Coding change: c.239A>G on transcript NM_001369268.1 (MANE Select); coding-DNA position 239, A replaced by G.
Protein change: p.Lys80Arg; replaces lysine 80 with arginine.
Molecular consequence: missense variant.
Genome position (GRCh38, 1-based): chr15:88,838,831, A>G. VCF-style: chr15-88838831-A-G. GRCh37 (hg19) VCF-style: chr15-89382062-A-G.
Other names: c.239A>G (NM_013227.3); c.239A>G, p.Lys80Arg (NM_001135.4, NM_001411096.1, NM_001411097.1 and 1 more transcripts); short protein forms K80R.
Identifiers: ClinVar variation 1922409 (VCV001922409.6), dbSNP rs972979581, ClinGen allele CA274503505.
Genomic context (GRCh38, chr15:88,838,831, plus strand): 5'-TGACCACCGCCCCTTCTACCGCCCCACTGGCCCCAAGAATCAAGTGGAGCCGTGTGTCCA[A>G]GGAGAAGGAGGTAGTGCTGCTGGTGGCCACTGAAGGGCGCGTGCGGGTCAACAGTGCCTA-3'
Protein context (NP_001356197.1, residues 70-90): APRIKWSRVS[Lys80Arg]EKEVVLLVAT

ClinVar aggregate classification (germline): Uncertain significance. Review status: criteria provided, multiple submitters, no conflicts (2 of 4 stars). 2 submissions from 2 submitters: Uncertain significance (2). Last evaluated 2025-05-28.

Conditions:
Inborn genetic diseases. Identifiers: MedGen C0950123, MeSH D030342.

Allele frequency attached by ClinVar (database versions not stated): gnomAD exomes 0.00001; TOPMed 0.00002; gnomAD 0.00003.
gnomAD v4.1: 15 of 1,613,852 alleles (0.00093%); highest among the groups gnomAD compares: East Asian, 0.0022%; no homozygotes.

Submissions (2):

Ambry Genetics
Classification: Uncertain significance for Inborn genetic diseases. Last evaluated: 2025-05-28. Review status: criteria provided, single submitter. Criteria: Ambry Variant Classification Scheme 2023. Collection method: clinical testing. Allele origin: germline.

Labcorp Genetics (formerly Invitae), Labcorp
Classification: Uncertain significance. Last evaluated: 2024-01-10. Review status: criteria provided, single submitter. Criteria: Invitae Variant Classification Sherloc (09022015). Collection method: clinical testing. Allele origin: germline.
Comment: This sequence change replaces lysine, which is basic and polar, with arginine, which is basic and polar, at codon 80 of the ACAN protein (p.Lys80Arg). This variant is present in population databases (no rsID available, gnomAD 0.006%). This variant has not been reported in the literature in individuals affected with ACAN-related conditions. ClinVar contains an entry for this variant (Variation ID: 1922409). Advanced modeling of protein sequence and biophysical properties (such as structural, functional, and spatial information, amino acid conservation, physicochemical variation, residue mobility, and thermodynamic stability) performed at Invitae indicates that this missense variant is not expected to disrupt ACAN protein function with a negative predictive value of 80%. In summary, the available evidence is currently insufficient to determine the role of this variant in disease. Therefore, it has been classified as a Variant of Uncertain Significance.